The following is an entry in ClinVar:

ClinVar aggregate classification (germline): Pathogenic. Review status: criteria provided, single submitter (1 of 4 stars). 2 submissions from 2 submitters: Pathogenic (1). 1 of the submissions does not count toward it. Last evaluated 2021-10-12.

Conditions:
Polycystic kidney disease. Also called: Polycystic kidney dysplasia; Kidney, Polycystic. Identifiers: MedGen C0022680, MeSH D007690, MONDO:0020642, HP:0000113.
Polycystic kidney disease 2 (PKD2). Also called: Polycystic Kidney Disease 2, Autosomal Dominant; POLYCYSTIC KIDNEY DISEASE, ADULT, TYPE II; POLYCYSTIC KIDNEY DISEASE 2 WITH OR WITHOUT POLYCYSTIC LIVER DISEASE. Identifiers: MedGen C2751306, MONDO:0013131, OMIM 613095.

Submissions (2):

MGZ Medical Genetics Center
Classification: Pathogenic for Polycystic kidney disease 2. Last evaluated: 2021-10-12. Review status: criteria provided, single submitter. Criteria: ACMG Guidelines, 2015. Collection method: clinical testing. Allele origin: germline. Affected: yes. Observed: 1 variant allele.
Comment: ACMG criteria applied: PVS1, PS4_MOD, PM2_SUP

Department of Pathology and Laboratory Medicine, Sinai Health System
Classification: Pathogenic for Polycystic Kidney disease. Review status: no assertion criteria provided. Collection method: clinical testing. Allele origin: unknown. Affected: yes. Observed: 1 variant allele. Study: The Canadian Open Genetics Repository (COGR). Not counted in ClinVar's aggregate classification.
Comment: The PKD2 p.Phe666LeufsX7 variant was identified in 2 of 582 proband chromosomes (frequency: 0.003) from individuals or families with PKD (Magistroni 2003, Hwang 2016). The variant was also identified in LOVD 3.0 (1x) and ADPKD Mutation Database (1x, Definitely Pathogenic). The variant was not identified in dbSNP, ClinVar, Clinvitae, or the PKD1-LOVD databases. The variant was also not identified in the following control databases: the 1000 Genomes Project, the NHLBI GO Exome Sequencing Project, the Exome Aggregation Consortium (August 8th 2016), or the Genome Aggregation Database (Feb 27, 2017). The c.1998_2001delCTTT variant is predicted to cause a frameshift, which alters the protein amino acid sequence beginning at codon 666 and leads to a premature stop codon at position 672. This alteration is then predicted to result in a truncated or absent protein and loss of function. Loss of function variants of the PKD2 gene are an established mechanism of disease in autosomal dominant polycystic kidney disease and is the type of variant expected to cause the disorder. In summary, based on the above information this variant meets our laboratoryâ€šÃ„Ã´s criteria to be classified as pathogenic.

NM_000297.4(PKD2):c.1998_2001del (p.Phe666fs)

Gene: PKD2 (polycystin 2, transient receptor potential cation channel; plus strand). Cytogenetic location: 4q22.1.
Variant type: Deletion.
Coding change: c.1998_2001del on transcript NM_000297.4 (MANE Select); coding-DNA positions 1998 to 2001, 4 bases deleted (CTTT; older notation c.1998_2001delCTTT).
Protein change: p.Phe666fs; shifts the reading frame from phenylalanine 666.
Molecular consequence: frameshift variant.
Genome position (GRCh38, 1-based): chr4:88,058,082-88,058,085, CTTT deleted; deleting any 4 consecutive bases within chr4:88,058,080-88,058,085 gives the same sequence; the c. name uses the placement nearest the transcript's 3' end. VCF-style (leftmost placement, unchanged base first): chr4-88058079-GTTCT-G. GRCh37 (hg19) VCF-style: chr4-88979231-GTTCT-G.
Other names: short protein forms F666fs.
Identifiers: ClinVar variation 997110 (VCV000997110.3), dbSNP rs1720431219, ClinGen allele CA1474584732.